The following is an entry in ClinVar:

ClinVar aggregate classification (germline): Likely pathogenic (1 of 4 stars; one submission).

Conditions:
Fanconi anemia (FA). Also called: Fanconi's anemia. Identifiers: Orphanet 84, MedGen C0015625, MeSH D005199, MONDO:0019391.

Submission:

Labcorp Genetics (formerly Invitae), Labcorp
Classification: Likely pathogenic for Fanconi anemia. Last evaluated: 2025-09-23. Review status: criteria provided, single submitter. Criteria: Invitae Variant Classification Sherloc (09022015). Collection method: clinical testing. Allele origin: germline.
Comment: This sequence change affects a donor splice site in intron 36 of the FANCA gene. It is expected to disrupt RNA splicing. Variants that disrupt the donor or acceptor splice site typically lead to a loss of protein function (PMID: 16199547), and loss-of-function variants in FANCA are known to be pathogenic (PMID: 19367192). This variant is not present in population databases (gnomAD no frequency). This variant has not been reported in the literature in individuals affected with FANCA-related conditions. ClinVar contains an entry for this variant (Variation ID: 852989). Algorithms developed to predict the effect of sequence changes on RNA splicing suggest that this variant may disrupt the consensus splice site. In summary, the currently available evidence indicates that the variant is pathogenic, but additional data are needed to prove that conclusively. Therefore, this variant has been classified as Likely Pathogenic.

Literature cited by the submitters: PubMed 16199547; PubMed 19367192.

NM_000135.4(FANCA):c.3626+1G>C

Gene: FANCA (FA complementation group A; minus strand). Cytogenetic location: 16q24.3.
Variant type: single nucleotide variant.
Coding change: c.3626+1G>C on transcript NM_000135.4 (MANE Select); the canonical splice donor site of the intron after coding-DNA position 3626, G replaced by C.
Molecular consequence: splice donor variant.
Genome position (GRCh38, 1-based): chr16:89,744,958, C>G on the plus strand (G>C on the coding strand, the complement: FANCA is on the minus strand). VCF-style: chr16-89744958-C-G. GRCh37 (hg19) VCF-style: chr16-89811366-C-G.
Other names: c.3626+1G>C (NM_001286167.3).
Identifiers: ClinVar variation 852989 (VCV000852989.8), dbSNP rs34885858, ClinGen allele CA286623538.